The following is an entry in ClinVar:

NM_001276345.2(TNNT2):c.163+2T>G

Gene: TNNT2 (troponin T2, cardiac type; minus strand). Cytogenetic location: 1q32.1.
Variant type: single nucleotide variant.
Coding change: c.163+2T>G on transcript NM_001276345.2 (MANE Select); the canonical splice donor site of the intron after coding-DNA position 163, T replaced by G.
Molecular consequence: splice donor variant.
Genome position (GRCh38, 1-based): chr1:201,368,160, A>C on the plus strand (T>G on the coding strand, the complement: TNNT2 is on the minus strand). VCF-style: chr1-201368160-A-C. GRCh37 (hg19) VCF-style: chr1-201337288-A-C.
Other names: c.133+2T>G (NM_001406727.1, NM_001406724.1, NM_001406725.1 and 4 more transcripts); c.118+2T>G (NM_001001432.3, NM_001406728.1); c.163+2T>G (NM_001276346.2, NM_000364.4, NM_001406723.1).
Identifiers: ClinVar variation 3073573 (VCV003073573.1), dbSNP rs111683656, ClinGen allele CA344207172.

ClinVar aggregate classification (germline): Uncertain significance (1 of 4 stars; one submission).

Conditions:
Cardiomyopathy (CMYO). Also called: Cardiomyopathies. Identifiers: Orphanet 167848, MedGen C0878544, MONDO:0004994, HP:0001638. Inheritance: Various modes of inheritance.

Allele frequency attached by ClinVar (database versions not stated): gnomAD exomes below 0.00001.
gnomAD v4.1: 3 of 1,613,970 alleles (0.00019%); highest among the groups gnomAD compares: Non-Finnish European, 0.00025%; no homozygotes.

Submission:

All of Us Research Program, National Institutes of Health
Classification: Uncertain significance for Cardiomyopathy. Last evaluated: 2023-10-02. Review status: criteria provided, single submitter. Criteria: ACMG Guidelines, 2015. Collection method: clinical testing. Allele origin: germline. Inheritance: Autosomal dominant inheritance. Observed: 1 variant allele, 1 heterozygote.
Comment: This variant causes a T to G nucleotide substitution at the +2 position of intron 5 of the TNNT2 gene. Splice site prediction tools predict that this variant may have a significant impact on RNA splicing. To our knowledge, functional studies have not been reported for this variant. This variant has not been reported in individuals affected with TNNT2-related disorders in the literature. This variant has not been identified in the general population by the Genome Aggregation Database (gnomAD). Clinical relevance of loss-of-function TNNT2 truncation and splice variants in autosomal dominant cardiovascular disorders is not clearly established. The available evidence is insufficient to determine the role of this variant in disease conclusively. Therefore, this variant is classified as a Variant of Uncertain Significance.

This study involves interpretation of variants in research participants for the purpose of population health screening. Participant phenotype was not available at the time of variant classification. Additional details can be found in publication PMID: 35346344, PMCID: PMC8962531